The following is an entry in ClinVar:

ClinVar aggregate classification (germline): Likely pathogenic (1 of 4 stars; one submission).

Conditions:
Fabry disease. Also called: ALPHA-GALACTOSIDASE A DEFICIENCY; ANDERSON-FABRY DISEASE; CERAMIDE TRIHEXOSIDASE DEFICIENCY; GLA DEFICIENCY; HEREDITARY DYSTOPIC LIPIDOSIS; Angiokeratoma corporis diffusum. Identifiers: Orphanet 324, MedGen C0002986, MONDO:0010526, OMIM 301500, HP:0001071. Disease mechanism: Fabry disease is due to inactivating mutations in the X-linked GLA gene resulting in deficiency of the enzyme Alpha Galactosidase-A., loss of function.

Submission:

Genomenon, Inc
Classification: Likely pathogenic for Fabry disease. Last evaluated: 2026-09-08. Review status: criteria provided, single submitter. Criteria: Genomenon Sequence Variant Interpretation Standards - Updated. Collection method: curation. Allele origin: germline. Affected: no.
Comment: GLA p.Met208Lys (c.623T>A) is a missense variant that changes the amino acid at codon 208 from Methionine to Lysine. To our knowledge, this variant has not been reported in patients affected with Fabry disease in the published literature. At least one functional study has demonstrated a substantial alteration in protein function relative to the wild-type (PMID:32023956). It is absent or not present at a significant frequency in gnomAD. In conclusion, we classify GLA p.Met208Lys (c.623T>A) as a likely pathogenic variant.

Literature cited by the submitters: PubMed 32023956.

NM_000169.3(GLA):c.623T>A (p.Met208Lys)

Genes: GLA (galactosidase alpha; minus strand), RPL36A-HNRNPH2 (RPL36A-HNRNPH2 readthrough; plus strand). Cytogenetic location: Xq22.1.
Variant type: single nucleotide variant.
Coding change: c.623T>A on transcript NM_000169.3 (MANE Select); coding-DNA position 623, T replaced by A.
Protein change: p.Met208Lys; replaces methionine 208 with lysine.
Molecular consequence: missense variant. On other transcripts: non-coding transcript variant (2), intron variant (2).
Genome position (GRCh38, 1-based): chrX:101,400,682, A>T on the plus strand (T>A on the coding strand, the complement: GLA is on the minus strand). VCF-style: chrX-101400682-A-T. GRCh37 (hg19) VCF-style: chrX-100655670-A-T.
Other names: c.746T>A, p.Met249Lys (NM_001406747.1); c.623T>A, p.Met208Lys (NM_001406748.1); c.300+5225A>T (NM_001199973.2); c.177+8860A>T (NM_001199974.2); short protein forms M208K, M249K.
Identifiers: ClinVar variation 4087439 (VCV004087439.2).
Genomic context (GRCh38, chrX:101,400,682, plus strand): 5'-ATCTATCAGTACAGTTCTATTGGATTCTGGGCTCACTATCTCACCTTTTGAAAGGGCCAC[A>T]TATAAAGAGGCCACTCACAGGAGTACACAATGCTTCTGCCAGTCCTATTCAGGGCCAAGG-3'
Protein context (NP_000160.1, residues 198-218): IVYSCEWPLY[Met208Lys]WPFQKPNYTE